The following is an entry in ClinVar:

NM_001349253.2(SCN11A):c.617C>T (p.Ala206Val)

Gene: SCN11A (sodium voltage-gated channel alpha subunit 11; minus strand). Cytogenetic location: 3p22.2.
Variant type: single nucleotide variant.
Coding change: c.617C>T on transcript NM_001349253.2 (MANE Select); coding-DNA position 617, C replaced by T.
Protein change: p.Ala206Val; replaces alanine 206 with valine.
Molecular consequence: missense variant.
Genome position (GRCh38, 1-based): chr3:38,926,803, G>A on the plus strand (C>T on the coding strand, the complement: SCN11A is on the minus strand). VCF-style: chr3-38926803-G-A. GRCh37 (hg19) VCF-style: chr3-38968294-G-A.
Other names: c.617C>T, p.Ala206Val (NM_014139.3); short protein forms A206V.
Identifiers: ClinVar variation 1486091 (VCV001486091.6), dbSNP rs373405212, ClinGen allele CA72975443.

ClinVar aggregate classification (germline): Uncertain significance (1 of 4 stars; one submission).

Conditions:
Hereditary sensory and autonomic neuropathy type 7. Also called: HSAN VII; Neuropathy, hereditary sensory and autonomic, type VII. Identifiers: Orphanet 391397, MedGen C3809882, MONDO:0014244, OMIM 615548.
Familial episodic pain syndrome with predominantly lower limb involvement. Also called: Episodic pain syndrome, familial, 3. Identifiers: Orphanet 391384, Orphanet 391392, MedGen C3809899, MONDO:0014247, OMIM 615552.

Allele frequency attached by ClinVar (database versions not stated): gnomAD exomes below 0.00001; gnomAD 0.00001; ESP Exome Variant Server 0.00008.
gnomAD v4.1: 5 of 1,612,956 alleles (0.00031%); highest among the groups gnomAD compares: South Asian, 0.0022%; no homozygotes.

Submission:

Labcorp Genetics (formerly Invitae), Labcorp
Classification: Uncertain significance for Familial episodic pain syndrome with predominantly lower limb involvement; Hereditary sensory and autonomic neuropathy type 7. Last evaluated: 2024-10-18. Review status: criteria provided, single submitter. Criteria: Invitae Variant Classification Sherloc (09022015). Collection method: clinical testing. Allele origin: germline.
Comment: This sequence change replaces alanine, which is neutral and non-polar, with valine, which is neutral and non-polar, at codon 206 of the SCN11A protein (p.Ala206Val). This variant is present in population databases (rs373405212, gnomAD 0.004%). This variant has not been reported in the literature in individuals affected with SCN11A-related conditions. ClinVar contains an entry for this variant (Variation ID: 1486091). An algorithm developed to predict the effect of missense changes on protein structure and function (PolyPhen-2) suggests that this variant is likely to be disruptive. In summary, the available evidence is currently insufficient to determine the role of this variant in disease. Therefore, it has been classified as a Variant of Uncertain Significance.